The following is an entry in ClinVar:

NM_170784.3(MKKS):c.689T>A (p.Leu230Gln)

Gene: MKKS (MKKS centrosomal shuttling protein; minus strand). Cytogenetic location: 20p12.2.
Variant type: single nucleotide variant.
Coding change: c.689T>A on transcript NM_170784.3 (MANE Select); coding-DNA position 689, T replaced by A.
Protein change: p.Leu230Gln; replaces leucine 230 with glutamine.
Molecular consequence: missense variant.
Genome position (GRCh38, 1-based): chr20:10,412,826, A>T on the plus strand (T>A on the coding strand, the complement: MKKS is on the minus strand). VCF-style: chr20-10412826-A-T. GRCh37 (hg19) VCF-style: chr20-10393474-A-T.
Other names: c.689T>A, p.Leu230Gln (NM_018848.3); short protein forms L230Q.
Identifiers: ClinVar variation 1412661 (VCV001412661.8), dbSNP rs2122234625, ClinGen allele CA408232551.

ClinVar aggregate classification (germline): Uncertain significance (1 of 4 stars; one submission).

Conditions:
Bardet-Biedl syndrome (BBS). Identifiers: Orphanet 110, MedGen C0752166, MONDO:0015229.
McKusick-Kaufman syndrome (MKKS). Also called: HYDROMETROCOLPOS SYNDROME; HYDROMETROCOLPOS, POSTAXIAL POLYDACTYLY, AND CONGENITAL HEART MALFORMATION. Identifiers: Orphanet 2473, MedGen C0948368, MONDO:0009367, OMIM 236700.

Submission:

Labcorp Genetics (formerly Invitae), Labcorp
Classification: Uncertain significance for McKusick-Kaufman syndrome; Bardet-Biedl syndrome. Last evaluated: 2021-04-02. Review status: criteria provided, single submitter. Criteria: Invitae Variant Classification Sherloc (09022015). Collection method: clinical testing. Allele origin: germline.
Comment: In summary, the available evidence is currently insufficient to determine the role of this variant in disease. Therefore, it has been classified as a Variant of Uncertain Significance. Algorithms developed to predict the effect of missense changes on protein structure and function are either unavailable or do not agree on the potential impact of this missense change (SIFT: "Deleterious"; PolyPhen-2: "Benign"; Align-GVGD: "Class C0"). This variant has not been reported in the literature in individuals with MKKS-related conditions. This variant is not present in population databases (ExAC no frequency). This sequence change replaces leucine with glutamine at codon 230 of the MKKS protein (p.Leu230Gln). The leucine residue is weakly conserved and there is a moderate physicochemical difference between leucine and glutamine.